The following is an entry in ClinVar:

ClinVar aggregate classification (germline): Likely pathogenic (1 of 4 stars; one submission).

Conditions:
GFAP-related disorder. Also called: GFAP-related disorders; GFAP-related condition.

Allele frequency attached by ClinVar (database versions not stated): TOPMed below 0.00001; gnomAD 0.00001.
gnomAD v4.1: 1 of 1,614,076 alleles (0.000062%); highest among the groups gnomAD compares: Non-Finnish European, 0.000085%; no homozygotes.

Submission:

PreventionGenetics, part of Exact Sciences
Classification: Likely pathogenic for GFAP-related condition. Last evaluated: 2022-11-24. Review status: criteria provided, single submitter. Criteria: ACMG Guidelines, 2015. Collection method: clinical testing. Allele origin: germline.
Comment: The GFAP c.1078G>T variant is predicted to result in the amino acid substitution p.Asp360Tyr. To our knowledge, this variant has not been reported in the literature or in a large population database, indicating this variant is rare. This variant is interpreted to be likely pathogenic.

NM_002055.5(GFAP):c.1078G>T (p.Asp360Tyr)

Genes: GFAP (glial fibrillary acidic protein; minus strand), LOC130060994 (ATAC-STARR-seq lymphoblastoid active region 12266; plus strand). Cytogenetic location: 17q21.31.
Variant type: single nucleotide variant.
Coding change: c.1078G>T on transcript NM_002055.5 (MANE Select); coding-DNA position 1078, G replaced by T.
Protein change: p.Asp360Tyr; replaces aspartic acid 360 with tyrosine.
Molecular consequence: missense variant.
Genome position (GRCh38, 1-based): chr17:44,911,285, C>A on the plus strand (G>T on the coding strand, the complement: GFAP is on the minus strand). VCF-style: chr17-44911285-C-A. GRCh37 (hg19) VCF-style: chr17-42988653-C-A.
Other names: c.1078G>T, p.Asp360Tyr (NM_001131019.3, NM_001242376.3, NM_001363846.2); short protein forms D360Y.
Identifiers: ClinVar variation 2636929 (VCV002636929.1), dbSNP rs1421576880, ClinGen allele CA399843521.